The following is an entry in ClinVar:

NM_001360.3(DHCR7):c.52G>A (p.Val18Ile)

Gene: DHCR7 (7-dehydrocholesterol reductase; minus strand). Cytogenetic location: 11q13.4.
Variant type: single nucleotide variant.
Coding change: c.52G>A on transcript NM_001360.3 (MANE Select); coding-DNA position 52, G replaced by A.
Protein change: p.Val18Ile; replaces valine 18 with isoleucine.
Molecular consequence: missense variant.
Genome position (GRCh38, 1-based): chr11:71,444,901, C>T on the plus strand (G>A on the coding strand, the complement: DHCR7 is on the minus strand). VCF-style: chr11-71444901-C-T. GRCh37 (hg19) VCF-style: chr11-71155947-C-T.
Other names: c.52G>A, p.Val18Ile (NM_001163817.2); short protein forms V18I.
Identifiers: ClinVar variation 1700811 (VCV001700811.9), dbSNP rs770947907, ClinGen allele CA6162721.
Genomic context (GRCh38, chr11:71,444,901, plus strand): 5'-GGCAAGATCCTTACCAGGCACGGCCCCACTGCCCTTGAGATGCGGTTCTGTCATTGGTGA[C>T]GCCATCTAGACTCTTGGCTTTGGGAATGTTGGGTTGCGATTTTGCAGCCATTGGGCCCTG-3'
Protein context (NP_001351.2, residues 8-28): NIPKAKSLDG[Val18Ile]TNDRTASQGQ

ClinVar aggregate classification (germline): Conflicting classifications of pathogenicity. Review status: criteria provided, conflicting classifications (1 of 4 stars). 5 submissions from 5 submitters: Uncertain significance (4); Likely benign (1). Last evaluated 2026-01-20.

Conditions:
DHCR7-related disorder. Also called: DHCR7-related condition.
Smith-Lemli-Opitz syndrome (SLOS). Also called: POLYDACTYLY, SEX REVERSAL, RENAL HYPOPLASIA, AND UNILOBAR LUNG; RSH SYNDROME; RUTLEDGE LETHAL MULTIPLE CONGENITAL ANOMALY SYNDROME; LETHAL ACRODYSGENITAL SYNDROME; 7-Dehydrocholesterol reductase deficiency. Identifiers: Orphanet 818, MedGen C0175694, MONDO:0010035, OMIM 270400.

Allele frequency attached by ClinVar (database versions not stated): gnomAD 0.00001 and 0.00002; ExAC 0.00003; gnomAD exomes 0.00003; TOPMed 0.00004.

Submissions (5):

Labcorp Genetics (formerly Invitae), Labcorp
Classification: Uncertain significance for Smith-Lemli-Opitz syndrome. Last evaluated: 2026-01-20. Review status: criteria provided, single submitter. Criteria: Invitae Variant Classification Sherloc (09022015). Collection method: clinical testing. Allele origin: germline.
Comment: This sequence change replaces valine, which is neutral and non-polar, with isoleucine, which is neutral and non-polar, at codon 18 of the DHCR7 protein (p.Val18Ile). This variant is present in population databases (rs770947907, gnomAD 0.01%). This variant has not been reported in the literature in individuals affected with DHCR7-related conditions. ClinVar contains an entry for this variant (Variation ID: 1700811). Invitae Evidence Modeling of protein sequence and biophysical properties (such as structural, functional, and spatial information, amino acid conservation, physicochemical variation, residue mobility, and thermodynamic stability) indicates that this missense variant is not expected to disrupt DHCR7 protein function with a negative predictive value of 95%. In summary, the available evidence is currently insufficient to determine the role of this variant in disease. Therefore, it has been classified as a Variant of Uncertain Significance.

PreventionGenetics, part of Exact Sciences
Classification: Uncertain significance for DHCR7-related condition. Last evaluated: 2025-06-10. Review status: criteria provided, single submitter. Criteria: ACMG Guidelines, 2015. Collection method: clinical testing. Allele origin: germline.
Comment: The DHCR7 c.52G>A variant is predicted to result in the amino acid substitution p.Val18Ile. To our knowledge, this variant has not been reported in the literature in individuals with DHCR7- related disorders. This variant is reported in 0.011% of alleles in individuals of East Asian descent in gnomAD. At this time, the clinical significance of this variant is uncertain due to the absence of conclusive functional and genetic evidence.

GeneDx
Classification: Uncertain significance. Last evaluated: 2025-02-25. Review status: criteria provided, single submitter. Criteria: GeneDx Variant Classification Process June 2021. Collection method: clinical testing. Allele origin: germline. Affected: yes.
Comment: Reported previously with a second variant (phase unknown) in a consanguineous family who also harbored a homozygous variant in a different gene; however, no clinical information was provided (PMID: 34316023); Not observed at significant frequency in large population cohorts (gnomAD); In silico analysis indicates that this missense variant does not alter protein structure/function; This variant is associated with the following publications: (PMID: 34316023)

Fulgent Genetics
Classification: Uncertain significance for Smith-Lemli-Opitz syndrome. Last evaluated: 2024-05-30. Review status: criteria provided, single submitter. Criteria: ACMG Guidelines, 2015. Collection method: clinical testing. Allele origin: germline.

Blueprint Genetics
Classification: Likely benign. Last evaluated: 2021-06-24. Review status: criteria provided, single submitter. Criteria: ACMG Guidelines, 2015. Collection method: clinical testing. Allele origin: germline.